The following is an entry in ClinVar:

NM_032383.5(HPS3):c.2736del (p.Glu913fs)

Genes: CP (ceruloplasmin; minus strand), HPS3 (HPS3 biogenesis of lysosomal organelles complex 2 subunit 1; plus strand). Cytogenetic location: 3q24.
Variant type: Deletion.
Coding change: c.2736del on transcript NM_032383.5 (MANE Select); coding-DNA position 2736, one base deleted (A; older notation c.2736delA).
Protein change: p.Glu913fs; shifts the reading frame from glutamic acid 913.
Molecular consequence: frameshift variant.
Genome position (GRCh38, 1-based): chr3:149,167,180, A deleted. VCF-style (leftmost placement, unchanged base first): chr3-149167179-TA-T. GRCh37 (hg19) VCF-style: chr3-148884966-TA-T.
Other names: c.2241del, p.Glu748fs (NM_001308258.2); short protein forms E748fs, E913fs.
Identifiers: ClinVar variation 987426 (VCV000987426.5), dbSNP rs1724509208, ClinGen allele CA1139658299.

ClinVar aggregate classification (germline): Pathogenic. Review status: criteria provided, multiple submitters, no conflicts (2 of 4 stars). 3 submissions from 3 submitters: Pathogenic (3). Last evaluated 2024-09-27.

Conditions:
Hermansky-Pudlak syndrome 3 (HPS3). Identifiers: Orphanet 231512, Orphanet 79430, MedGen C3888001, MONDO:0013555, OMIM 614072.

Allele frequency attached by ClinVar (database versions not stated): gnomAD exomes below 0.00001.

Submissions (3):

Labcorp Genetics (formerly Invitae), Labcorp
Classification: Pathogenic. Last evaluated: 2024-09-27. Review status: criteria provided, single submitter. Criteria: Invitae Variant Classification Sherloc (09022015). Collection method: clinical testing. Allele origin: germline.
Comment: This sequence change creates a premature translational stop signal (p.Glu913Argfs*15) in the HPS3 gene. It is expected to result in an absent or disrupted protein product. Loss-of-function variants in HPS3 are known to be pathogenic (PMID: 11590544). This variant is not present in population databases (gnomAD no frequency). This variant has not been reported in the literature in individuals affected with HPS3-related conditions. ClinVar contains an entry for this variant (Variation ID: 987426). For these reasons, this variant has been classified as Pathogenic.

Myriad Genetics, Inc.
Classification: Pathogenic for Hermansky-Pudlak syndrome 3. Last evaluated: 2024-05-14. Review status: criteria provided, single submitter. Criteria: Myriad Autosomal Dominant, Autosomal Recessive and X-Linked Classification Criteria (2023). Collection method: clinical testing. Allele origin: unknown.
Comment: NM_032383.3(HPS3):c.2736delA(E913Rfs*15) is expected to be pathogenic in the context of Hermansky-Pudlak syndrome, HPS3-related. This variant is predicted to lead to an abnormal or absent protein product due to the creation of a premature termination codon in HPS3, a gene where loss-of-function variants are known to be pathogenic. Please note: this variant was assessed in the context of healthy population screening.

Institute of Medical Genetics and Applied Genomics, University Hospital Tübingen
Classification: Pathogenic. Last evaluated: 2020-10-23. Review status: criteria provided, single submitter. Criteria: ACMG Guidelines, 2015. Collection method: clinical testing. Allele origin: germline. Inheritance: Autosomal recessive inheritance. Affected: yes.

Literature cited by the submitters: PubMed 11590544 (cited by Labcorp Genetics (formerly Invitae), Labcorp).